The following is an entry in ClinVar:

ClinVar aggregate classification (germline): Uncertain significance (1 of 4 stars; one submission).

Conditions:
Familial cancer of breast. Also called: BREAST CANCER, FAMILIAL; hereditary breast carcinoma; Hereditary breast cancer. Identifiers: Orphanet 227535, MedGen C0346153, MONDO:0016419, OMIM 114480. Disease mechanism: loss of function.
Fanconi anemia complementation group J. Also called: BRIP1-Related Fanconi Anemia. Identifiers: Orphanet 84, MedGen C1836860, MONDO:0012187, OMIM 609054.

Submission:

Labcorp Genetics (formerly Invitae), Labcorp
Classification: Uncertain significance for Familial cancer of breast; Fanconi anemia complementation group J. Last evaluated: 2023-12-02. Review status: criteria provided, single submitter. Criteria: Invitae Variant Classification Sherloc (09022015). Collection method: clinical testing. Allele origin: germline.
Comment: This sequence change replaces histidine, which is basic and polar, with tyrosine, which is neutral and polar, at codon 314 of the BRIP1 protein (p.His314Tyr). This variant is not present in population databases (gnomAD no frequency). This variant has not been reported in the literature in individuals affected with BRIP1-related conditions. Advanced modeling of protein sequence and biophysical properties (such as structural, functional, and spatial information, amino acid conservation, physicochemical variation, residue mobility, and thermodynamic stability) performed at Invitae indicates that this missense variant is not expected to disrupt BRIP1 protein function with a negative predictive value of 80%. In summary, the available evidence is currently insufficient to determine the role of this variant in disease. Therefore, it has been classified as a Variant of Uncertain Significance.

NM_032043.3(BRIP1):c.940C>T (p.His314Tyr)

Gene: BRIP1 (BRCA1 interacting DNA helicase 1; minus strand). Cytogenetic location: 17q23.2.
Variant type: single nucleotide variant.
Coding change: c.940C>T on transcript NM_032043.3 (MANE Select); coding-DNA position 940, C replaced by T.
Protein change: p.His314Tyr; replaces histidine 314 with tyrosine.
Molecular consequence: missense variant.
Genome position (GRCh38, 1-based): chr17:61,801,453, G>A on the plus strand (C>T on the coding strand, the complement: BRIP1 is on the minus strand). VCF-style: chr17-61801453-G-A. GRCh37 (hg19) VCF-style: chr17-59878814-G-A.
Other names: short protein forms H314Y.
Identifiers: ClinVar variation 2954380 (VCV002954380.3), dbSNP rs2145342079, ClinGen allele CA400484279.